The following is an entry in ClinVar:

ClinVar aggregate classification (germline): Uncertain significance (1 of 4 stars; one submission).

Conditions:
Hereditary cancer-predisposing syndrome. Also called: Hereditary Cancer Syndrome; Hereditary neoplastic syndrome; Neoplastic Syndromes, Hereditary; Tumor predisposition. Identifiers: Orphanet 140162, MedGen C0027672, MeSH D009386, MONDO:0015356.

Submission:

Sema4
Classification: Uncertain significance for Hereditary cancer-predisposing syndrome. Last evaluated: 2021-11-23. Review status: criteria provided, single submitter. Criteria: Sema4 Curation Guidelines. Collection method: curation. Allele origin: germline.
Comment: The PMS2 c.2398C>G (p.P800A) variant has not been reported in the literature to our knowledge. It was observed in 1/232042 chromosomes in the large and broad cohorts of the Genome Aggregation Database (PMID: 32461654). This variant has not been reported in ClinVar. Functional studies have not been performed, and in silico predictions of the variant's effect on protein function are inconclusive. The evidence is insufficient to meet ACMG/AMP criteria for classifying the variant as benign or pathogenic. Thus, the clinical significance of this variant is currently uncertain.

NM_000535.7(PMS2):c.2398C>G (p.Pro800Ala)

Gene: PMS2 (PMS1 homolog 2, mismatch repair system component; minus strand). Cytogenetic location: 7p22.1.
Variant type: single nucleotide variant.
Coding change: c.2398C>G on transcript NM_000535.7 (MANE Select); coding-DNA position 2398, C replaced by G.
Protein change: p.Pro800Ala; replaces proline 800 with alanine.
Molecular consequence: missense variant. On other transcripts: non-coding transcript variant (1).
Genome position (GRCh38, 1-based): chr7:5,977,635, G>C on the plus strand (C>G on the coding strand, the complement: PMS2 is on the minus strand). VCF-style: chr7-5977635-G-C. GRCh37 (hg19) VCF-style: chr7-6017266-G-C.
Other names: c.1993C>G, p.Pro665Ala (NM_001322003.2, NM_001322004.2, NM_001322005.2); c.2242C>G, p.Pro748Ala (NM_001322006.2); c.2080C>G, p.Pro694Ala (NM_001322007.2, NM_001322008.2); c.2026C>G, p.Pro676Ala (NM_001322009.2); c.1837C>G, p.Pro613Ala (NM_001322010.2); c.1465C>G, p.Pro489Ala (NM_001322011.2, NM_001322012.2); c.1825C>G, p.Pro609Ala (NM_001322013.2); c.2431C>G, p.Pro811Ala (NM_001322014.2); and 1 more; short protein forms P489A, P609A, P613A, P665A, P676A, P694A, P697A, P748A.
Identifiers: ClinVar variation 1692466 (VCV001692466.1), dbSNP rs1489085045, ClinGen allele CA366735694.